The following is an entry in ClinVar:

ClinVar aggregate classification (germline): Uncertain significance. Review status: criteria provided, multiple submitters, no conflicts (2 of 4 stars). 4 submissions from 4 submitters: Uncertain significance (4). Last evaluated 2024-05-12.

Conditions:
Inborn genetic diseases. Identifiers: MedGen C0950123, MeSH D030342.
Sulfite oxidase deficiency due to molybdenum cofactor deficiency type A. Also called: Molybdenum cofactor deficiency, complementation group A; Molybdenum Cofactor Deficiency A. Identifiers: Orphanet 308386, Orphanet 833, MedGen C1854988, MONDO:0009643, OMIM 252150.

Allele frequency attached by ClinVar (database versions not stated): ExAC 0.00004; gnomAD exomes 0.00004 and 0.00013; TOPMed 0.00007; ESP Exome Variant Server 0.00008; gnomAD 0.00008 and 0.00009.
gnomAD v4.1: 210 of 1,613,100 alleles (0.013%); highest among the groups gnomAD compares: Non-Finnish European, 0.016%; no homozygotes.

Submissions (4):

Ambry Genetics
Classification: Uncertain significance for Inborn genetic diseases. Last evaluated: 2024-05-12. Review status: criteria provided, single submitter. Criteria: Ambry Variant Classification Scheme 2023. Collection method: clinical testing. Allele origin: germline.

Blueprint Genetics
Classification: Uncertain significance. Last evaluated: 2023-05-19. Review status: criteria provided, single submitter. Criteria: ACMG Guidelines, 2015. Collection method: clinical testing. Allele origin: germline.

Labcorp Genetics (formerly Invitae), Labcorp
Classification: Uncertain significance for Sulfite oxidase deficiency due to molybdenum cofactor deficiency type A. Last evaluated: 2022-08-16. Review status: criteria provided, single submitter. Criteria: Invitae Variant Classification Sherloc (09022015). Collection method: clinical testing. Allele origin: germline.
Comment: This sequence change replaces histidine, which is basic and polar, with glutamine, which is neutral and polar, at codon 366 of the MOCS1 protein (p.His366Gln). This variant is present in population databases (rs372068922, gnomAD 0.009%). This variant has not been reported in the literature in individuals affected with MOCS1-related conditions. ClinVar contains an entry for this variant (Variation ID: 905776). Algorithms developed to predict the effect of missense changes on protein structure and function are either unavailable or do not agree on the potential impact of this missense change (SIFT: "Deleterious"; PolyPhen-2: "Probably Damaging"; Align-GVGD: "Class C15"). In summary, the available evidence is currently insufficient to determine the role of this variant in disease. Therefore, it has been classified as a Variant of Uncertain Significance.

Illumina Laboratory Services, Illumina
Classification: Uncertain significance for Sulfite oxidase deficiency due to molybdenum cofactor deficiency type A. Last evaluated: 2018-01-13. Review status: criteria provided, single submitter. Criteria: ICSL Variant Classification Criteria 13 December 2019. Collection method: clinical testing. Allele origin: germline.

NM_001358530.2(MOCS1):c.1098T>G (p.His366Gln)

Gene: MOCS1 (molybdenum cofactor synthesis 1; minus strand). Cytogenetic location: 6p21.2.
Variant type: single nucleotide variant.
Coding change: c.1098T>G on transcript NM_001358530.2 (MANE Select); coding-DNA position 1098, T replaced by G.
Protein change: p.His366Gln; replaces histidine 366 with glutamine.
Molecular consequence: missense variant. On other transcripts: non-coding transcript variant (1).
Genome position (GRCh38, 1-based): chr6:39,909,839, A>C on the plus strand (T>G on the coding strand, the complement: MOCS1 is on the minus strand). VCF-style: chr6-39909839-A-C. GRCh37 (hg19) VCF-style: chr6-39877583-A-C.
Other names: c.1098T>G, p.His366Gln (NM_001075098.4, NM_001358529.2, NM_005943.6); c.837T>G, p.His279Gln (NM_001358531.2, NM_001358533.2, NM_001358534.2); short protein forms H279Q, H366Q.
Identifiers: ClinVar variation 905776 (VCV000905776.9), dbSNP rs372068922, ClinGen allele CA3796057.